The following is an entry in ClinVar:

ClinVar aggregate classification (germline): Uncertain significance. Review status: criteria provided, multiple submitters, no conflicts (2 of 4 stars). 3 submissions from 3 submitters: Uncertain significance (3). Last evaluated 2025-10-12.

Allele frequency attached by ClinVar (database versions not stated): gnomAD exomes 0.00002 and 0.00005; ExAC 0.00012; gnomAD 0.00020 and 0.00021; TOPMed 0.00022.
gnomAD v4.1: 57 of 1,551,042 alleles (0.0037%); highest among the groups gnomAD compares: African/African-American, 0.066%; no homozygotes.

Submissions (3):

Labcorp Genetics (formerly Invitae), Labcorp
Classification: Uncertain significance. Last evaluated: 2025-10-12. Review status: criteria provided, single submitter. Criteria: Invitae Variant Classification Sherloc (09022015). Collection method: clinical testing. Allele origin: germline.
Comment: This sequence change replaces threonine, which is neutral and polar, with proline, which is neutral and non-polar, at codon 605 of the DTHD1 protein (p.Thr605Pro). This variant is present in population databases (rs778730054, gnomAD 0.06%). This variant has not been reported in the literature in individuals affected with DTHD1-related conditions. ClinVar contains an entry for this variant (Variation ID: 1058781). An algorithm developed to predict the effect of missense changes on protein structure and function (PolyPhen-2) suggests that this variant is likely to be disruptive. In summary, the available evidence is currently insufficient to determine the role of this variant in disease. Therefore, it has been classified as a Variant of Uncertain Significance.

Ambry Genetics
Classification: Uncertain significance. Last evaluated: 2025-02-19. Review status: criteria provided, single submitter. Criteria: Ambry Variant Classification Scheme 2023. Collection method: clinical testing. Allele origin: germline.

Blueprint Genetics
Classification: Uncertain significance. Last evaluated: 2024-02-12. Review status: criteria provided, single submitter. Criteria: ACMG Guidelines, 2015. Collection method: clinical testing. Allele origin: germline.

NM_001170700.3(DTHD1):c.2683A>C (p.Thr895Pro)

Gene: DTHD1 (death domain containing 1; plus strand). Cytogenetic location: 4p14.
Variant type: single nucleotide variant.
Coding change: c.2683A>C on transcript NM_001170700.3 (MANE Select); coding-DNA position 2683, A replaced by C.
Protein change: p.Thr895Pro; replaces threonine 895 with proline.
Molecular consequence: missense variant. On other transcripts: synonymous variant (1), non-coding transcript variant (2).
Genome position (GRCh38, 1-based): chr4:36,343,786, A>C. VCF-style: chr4-36343786-A-C. GRCh37 (hg19) VCF-style: chr4-36345408-A-C.
Other names: c.2308A>C (NM_001170700.1); c.1813A>C, p.Thr605Pro (NM_001136536.5); c.1692A>C, p.Ser564= (NM_001378435.1); short protein forms T605P, T895P.
Identifiers: ClinVar variation 1058781 (VCV001058781.12), dbSNP rs778730054, ClinGen allele CA2885765.